The following is an entry in ClinVar:

NM_003737.4(DCHS1):c.6518G>A (p.Arg2173Gln)

Gene: DCHS1 (dachsous cadherin-related 1; minus strand). Cytogenetic location: 11p15.4.
Variant type: single nucleotide variant.
Coding change: c.6518G>A on transcript NM_003737.4 (MANE Select); coding-DNA position 6518, G replaced by A.
Protein change: p.Arg2173Gln; replaces arginine 2173 with glutamine.
Molecular consequence: missense variant.
Genome position (GRCh38, 1-based): chr11:6,626,227, C>T on the plus strand (G>A on the coding strand, the complement: DCHS1 is on the minus strand). VCF-style: chr11-6626227-C-T. GRCh37 (hg19) VCF-style: chr11-6647458-C-T.
Other names: c.6518G>A (NM_003737.2); short protein forms R2173Q.
Identifiers: ClinVar variation 3715812 (VCV003715812.3).

ClinVar aggregate classification (germline): Conflicting classifications of pathogenicity. Review status: criteria provided, conflicting classifications (1 of 4 stars). 2 submissions from 2 submitters: Uncertain significance (1); Likely benign (1). Last evaluated 2025-08-26.

Conditions:
Inborn genetic diseases. Identifiers: MedGen C0950123, MeSH D030342.

gnomAD v4.1: 15 of 1,611,756 alleles (0.00093%); highest among the groups gnomAD compares: East Asian, 0.0022%; no homozygotes.

Submissions (2):

Labcorp Genetics (formerly Invitae), Labcorp
Classification: Uncertain significance. Last evaluated: 2025-08-26. Review status: criteria provided, single submitter. Criteria: Invitae Variant Classification Sherloc (09022015). Collection method: clinical testing. Allele origin: germline.
Comment: This sequence change replaces arginine, which is basic and polar, with glutamine, which is neutral and polar, at codon 2173 of the DCHS1 protein (p.Arg2173Gln). This variant is not present in population databases (gnomAD no frequency). This variant has not been reported in the literature in individuals affected with DCHS1-related conditions. ClinVar contains an entry for this variant (Variation ID: 3715812). Invitae Evidence Modeling of protein sequence and biophysical properties (such as structural, functional, and spatial information, amino acid conservation, physicochemical variation, residue mobility, and thermodynamic stability) indicates that this missense variant is not expected to disrupt DCHS1 protein function with a negative predictive value of 80%. In summary, the available evidence is currently insufficient to determine the role of this variant in disease. Therefore, it has been classified as a Variant of Uncertain Significance.

Ambry Genetics
Classification: Likely benign for Inborn genetic diseases. Last evaluated: 2025-03-01. Review status: criteria provided, single submitter. Criteria: Ambry Variant Classification Scheme 2023. Collection method: clinical testing. Allele origin: germline.